The following is an entry in ClinVar:

NM_000268.4(NF2):c.1039G>T (p.Glu347Ter)

Gene: NF2 (NF2, moesin-ezrin-radixin like (MERLIN) tumor suppressor; plus strand). Cytogenetic location: 22q12.2.
Variant type: single nucleotide variant.
Coding change: c.1039G>T on transcript NM_000268.4 (MANE Select); coding-DNA position 1039, G replaced by T.
Protein change: p.Glu347Ter; replaces glutamic acid 347 with a stop codon.
Molecular consequence: nonsense. On other transcripts: non-coding transcript variant (1), intron variant (1).
Genome position (GRCh38, 1-based): chr22:29,671,865, G>T. VCF-style: chr22-29671865-G-T. GRCh37 (hg19) VCF-style: chr22-30067854-G-T.
Other names: c.916G>T, p.Glu306Ter (NM_001407058.1, NM_001407054.1, NM_181829.3); c.904G>T, p.Glu302Ter (NM_001407059.1, NM_001407057.1); c.1039G>T, p.Glu347Ter (NM_001407060.1, NM_001407066.1, NM_016418.5 and 2 more transcripts); c.781G>T, p.Glu261Ter (NM_001407062.1); c.790G>T, p.Glu264Ter (NM_001407063.1, NM_001407064.1, NM_181830.3 and 1 more transcripts); c.505G>T, p.Glu169Ter (NM_001407065.1); c.808G>T, p.Glu270Ter (NM_001407067.1); c.925G>T, p.Glu309Ter (NM_001407053.1, NM_001407056.1); and 2 more; short protein forms E169*, E261*, E264*, E270*, E302*, E305*, E306*, E309*.
Identifiers: ClinVar variation 1803096 (VCV001803096.1), dbSNP rs2147072145, ClinGen allele CA411146855.
Genomic context (GRCh38, chr22:29,671,865, plus strand): 5'-GTTTTTCTTCACCCCTCGCAGATGGAGCGGCAGCGCCTCGCTCGAGAGAAGCAGATGAGG[G>T]AGGAGGCTGAACGCACGAGGGATGAGTTGGAGAGGAGGCTGCTGCAGATGAAAGAAGAAG-3'

ClinVar aggregate classification (germline): Pathogenic (1 of 4 stars; one submission).

Conditions:
Neurofibromatosis, type 2 (SWNV). Also called: NF2-Related Schwannomatosis; SCHWANNOMATOSIS, VESTIBULAR; BILATERAL ACOUSTIC NEUROFIBROMATOSIS. Identifiers: Orphanet 637, MedGen C0027832, MONDO:0007039, OMIM 101000. Disease mechanism: loss of function.

Submission:

Genetics and Molecular Pathology, SA Pathology
Classification: Pathogenic for Neurofibromatosis, type 2. Last evaluated: 2019-08-01. Review status: criteria provided, single submitter. Criteria: ACMG Guidelines, 2015. Collection method: clinical testing. Allele origin: germline. Inheritance: Autosomal dominant inheritance. Affected: yes.
Comment: Nonsense-mediated decay is a cellular surveillance mechanism whereby RNA transcripts containing premature termination codons are degraded. The c.1039G>T variant introduces a premature termination codon at codon 196 and as such, the transcript is predicted to be the target of this degradation mechanism. Consequently, this variant is predicted to be pathogenic in nature.